The following is an entry in ClinVar:

NM_001457.4(FLNB):c.6843C>T (p.Ile2281=)

Gene: FLNB (filamin B; plus strand). Cytogenetic location: 3p14.3.
Variant type: single nucleotide variant.
Coding change: c.6843C>T on transcript NM_001457.4 (MANE Select); coding-DNA position 6843, C replaced by T.
Protein change: p.Ile2281=; no amino-acid change (isoleucine 2281 retained).
Molecular consequence: synonymous variant.
Genome position (GRCh38, 1-based): chr3:58,156,030, C>T. VCF-style: chr3-58156030-C-T. GRCh37 (hg19) VCF-style: chr3-58141757-C-T.
Other names: c.6936C>T, p.Ile2312= (NM_001164317.2); c.6810C>T, p.Ile2270= (NM_001164318.2); c.6771C>T, p.Ile2257= (NM_001164319.2).
Identifiers: ClinVar variation 197429 (VCV000197429.18), dbSNP rs140332932, ClinGen allele CA245561.

ClinVar aggregate classification (germline): Conflicting classifications of pathogenicity. Review status: criteria provided, conflicting classifications (1 of 4 stars). 5 submissions from 5 submitters: Uncertain significance (1); Benign (1); Likely benign (2). 1 of the submissions does not count toward it. Last evaluated 2026-01-06.

Conditions:
FLNB-related disorder. Also called: FLNB-related condition; FLNB-related disorders. Identifiers: MedGen CN381095.

Allele frequency attached by ClinVar (database versions not stated): gnomAD exomes 0.00005 and 0.00012; ExAC 0.00016; ESP Exome Variant Server 0.00023; gnomAD 0.00059 and 0.00062; 1000 Genomes Project 0.00060; TOPMed 0.00061; 1000 Genomes Project 30x 0.00062.
gnomAD v4.1: 169 of 1,614,120 alleles (0.01%); highest among the groups gnomAD compares: African/African-American, 0.2%; no homozygotes.

Submissions (5):

Labcorp Genetics (formerly Invitae), Labcorp
Classification: Benign. Last evaluated: 2026-01-06. Review status: criteria provided, single submitter. Criteria: Invitae Variant Classification Sherloc (09022015). Collection method: clinical testing. Allele origin: germline.

GeneDx
Classification: Likely benign. Last evaluated: 2021-02-09. Review status: criteria provided, single submitter. Criteria: GeneDx Variant Classification Process June 2021. Collection method: clinical testing. Allele origin: germline. Affected: yes.

Blueprint Genetics
Classification: Likely benign. Last evaluated: 2020-02-05. Review status: criteria provided, single submitter. Criteria: ACMG Guidelines, 2015. Collection method: clinical testing. Allele origin: germline.

Eurofins Ntd Llc (ga)
Classification: Uncertain significance. Last evaluated: 2015-04-23. Review status: criteria provided, single submitter. Criteria: EGL Classification Definitions 2015. Collection method: clinical testing. Allele origin: germline. Observed: 1 variant allele, 1 heterozygote.

PreventionGenetics, part of Exact Sciences
Classification: Likely benign for FLNB-related condition. Last evaluated: 2019-06-17. Review status: no assertion criteria provided. Collection method: clinical testing. Allele origin: germline. Not counted in ClinVar's aggregate classification.
Comment: This variant is classified as likely benign based on ACMG/AMP sequence variant interpretation guidelines (Richards et al. 2015 PMID: 25741868, with internal and published modifications).